The following is an entry in ClinVar:

NM_001134232.2(TMEM106B):c.55G>C (p.Asp19His)

Gene: TMEM106B (transmembrane protein 106B; plus strand). Cytogenetic location: 7p21.3.
Variant type: single nucleotide variant.
Coding change: c.55G>C on transcript NM_001134232.2 (MANE Select); coding-DNA position 55, G replaced by C.
Protein change: p.Asp19His; replaces aspartic acid 19 with histidine.
Molecular consequence: missense variant.
Genome position (GRCh38, 1-based): chr7:12,214,865, G>C. VCF-style: chr7-12214865-G-C. GRCh37 (hg19) VCF-style: chr7-12254491-G-C.
Other names: c.55G>C, p.Asp19His (NM_018374.4); short protein forms D19H.
Identifiers: ClinVar variation 1028107 (VCV001028107.1), dbSNP rs1781655491, ClinGen allele CA366853556.

ClinVar aggregate classification (germline): Uncertain significance (1 of 4 stars; one submission).

Conditions:
Leukodystrophy, hypomyelinating, 16. Identifiers: MedGen C4693779, MONDO:0054791, OMIM 617964.

Submission:

Baylor Genetics
Classification: Uncertain significance for Leukodystrophy, hypomyelinating, 16. Last evaluated: 2020-10-06. Review status: criteria provided, single submitter. Criteria: ACMG Guidelines, 2015. Collection method: clinical testing. Allele origin: unknown. Affected: yes.
Comment: This variant was determined to be of uncertain significance according to ACMG Guidelines, 2015 [PMID:25741868].